The following is an entry in ClinVar:

ClinVar aggregate classification (germline): Uncertain significance (1 of 4 stars; one submission).

Conditions:
Inborn genetic diseases. Identifiers: MedGen C0950123, MeSH D030342.

Submission:

Ambry Genetics
Classification: Uncertain significance for Inborn genetic diseases. Last evaluated: 2025-12-17. Review status: criteria provided, single submitter. Criteria: Ambry Variant Classification Scheme 2023. Collection method: clinical testing. Allele origin: germline.
Comment: The p.M202L variant (also known as c.604A>C), located in coding exon 5 of the CEP57 gene, results from an A to C substitution at nucleotide position 604. The methionine at codon 202 is replaced by leucine, an amino acid with highly similar properties. This amino acid position is conserved. In addition, the in silico prediction for this alteration is inconclusive. Based on the available evidence, the clinical significance of this variant remains unclear.

NM_014679.5(CEP57):c.604A>C (p.Met202Leu)

Gene: CEP57 (centrosomal protein 57; plus strand). Cytogenetic location: 11q21.
Variant type: single nucleotide variant.
Coding change: c.604A>C on transcript NM_014679.5 (MANE Select); coding-DNA position 604, A replaced by C.
Protein change: p.Met202Leu; replaces methionine 202 with leucine.
Molecular consequence: missense variant. On other transcripts: intron variant (7).
Genome position (GRCh38, 1-based): chr11:95,817,886, A>C. VCF-style: chr11-95817886-A-C. GRCh37 (hg19) VCF-style: chr11-95551050-A-C.
Other names: c.577A>C, p.Met193Leu (NM_001243776.2); c.604A>C, p.Met202Leu (NM_001243777.2, NM_001440871.1, NM_001440874.1); c.523A>C, p.Met175Leu (NM_001363604.2, NM_001440869.1, NM_001440870.1 and 1 more transcripts); c.424A>C, p.Met142Leu (NM_001440873.1); c.343A>C, p.Met115Leu (NM_001440880.1); c.424-941A>C (NM_001440877.1, NM_001440878.1); c.505-941A>C (NM_001440872.1, NM_001440876.1, NM_001440879.1 and 1 more transcripts); c.325-941A>C (NM_001440881.1); short protein forms M142L, M193L, M115L, M175L, M202L.
Identifiers: ClinVar variation 4842308 (VCV004842308.1).